The following is an entry in ClinVar:

NM_015102.5(NPHP4):c.175C>T (p.Arg59Ter)

Gene: NPHP4 (nephrocystin 4; minus strand). Cytogenetic location: 1p36.31.
Variant type: single nucleotide variant.
Coding change: c.175C>T on transcript NM_015102.5 (MANE Select); coding-DNA position 175, C replaced by T.
Protein change: p.Arg59Ter; replaces arginine 59 with a stop codon.
Molecular consequence: nonsense. On other transcripts: 5 prime UTR variant (1), non-coding transcript variant (1), intron variant (1).
Genome position (GRCh38, 1-based): chr1:5,978,374, G>A on the plus strand (C>T on the coding strand, the complement: NPHP4 is on the minus strand). VCF-style: chr1-5978374-G-A. GRCh37 (hg19) VCF-style: chr1-6038434-G-A.
Other names: c.175C>T (NM_015102.3); c.-1055C>T (NM_001291593.2); c.-1087-9115C>T (NM_001291594.2); short protein forms R59*.
Identifiers: ClinVar variation 1453996 (VCV001453996.8), dbSNP rs753774833, ClinGen allele CA554912.

ClinVar aggregate classification (germline): Pathogenic. Review status: criteria provided, multiple submitters, no conflicts (2 of 4 stars). 3 submissions from 3 submitters: Pathogenic (3). Last evaluated 2024-12-20.

Conditions:
NPHP4-related disorder. Also called: NPHP4-related disorders; NPHP4-related condition. Identifiers: MedGen CN239384.
Nephronophthisis. Also called: Juvenile Nephronophthisis. Identifiers: Orphanet 655, MedGen C0687120, MONDO:0019005, HP:0000090.

Allele frequency attached by ClinVar (database versions not stated): TOPMed below 0.00001.
gnomAD v4.1: 6 of 1,607,536 alleles (0.00037%); highest among the groups gnomAD compares: Admixed American, 0.0017%; no homozygotes.

Submissions (3):

GeneDx
Classification: Pathogenic. Last evaluated: 2024-12-20. Review status: criteria provided, single submitter. Criteria: GeneDx Variant Classification Process June 2021. Collection method: clinical testing. Allele origin: germline. Affected: yes.
Comment: Nonsense variant predicted to result in protein truncation or nonsense mediated decay in a gene for which loss-of-function is a known mechanism of disease; This variant is associated with the following publications: (PMID: 25525159, 21866095, 35137054, 36090483, 18076122, 23559409)

Labcorp Genetics (formerly Invitae), Labcorp
Classification: Pathogenic for Nephronophthisis. Last evaluated: 2024-12-18. Review status: criteria provided, single submitter. Criteria: Invitae Variant Classification Sherloc (09022015). Collection method: clinical testing. Allele origin: germline.
Comment: This sequence change creates a premature translational stop signal (p.Arg59*) in the NPHP4 gene. It is expected to result in an absent or disrupted protein product. Loss-of-function variants in NPHP4 are known to be pathogenic (PMID: 12205563, 23559409). This variant is present in population databases (rs753774833, gnomAD 0.007%). This premature translational stop signal has been observed in individual(s) with NPHP4-related conditions (PMID: 18076122). ClinVar contains an entry for this variant (Variation ID: 1453996). For these reasons, this variant has been classified as Pathogenic.

Blueprint Genetics
Classification: Pathogenic for NPHP4-related disorders. Last evaluated: 2022-09-08. Review status: criteria provided, single submitter. Criteria: ACMG Guidelines, 2015. Collection method: clinical testing. Allele origin: germline. Affected: yes. Observed: 2 variant alleles.

Literature cited by the submitters: PubMed 12205563 (cited by Labcorp Genetics (formerly Invitae), Labcorp); PubMed 23559409 (cited by Labcorp Genetics (formerly Invitae), Labcorp); PubMed 18076122 (cited by Labcorp Genetics (formerly Invitae), Labcorp).